The following is an entry in ClinVar:

ClinVar aggregate classification (germline): Uncertain significance. Review status: criteria provided, multiple submitters, no conflicts (2 of 4 stars). 2 submissions from 2 submitters: Uncertain significance (2). Last evaluated 2024-06-13.

Conditions:
Glycogen storage disease, type II (IOPD). Also called: CARDIOMEGALIA GLYCOGENICA DIFFUSA; GLYCOGENOSIS, GENERALIZED, CARDIAC FORM; GSD II; Glycogen storage disease type 2; Acid maltase deficiency disease; Aglucosidase alfa. Identifiers: Orphanet 365, MedGen C0017921, MONDO:0009290, OMIM 232300.
Cardiovascular phenotype. Identifiers: MedGen CN230736.

Submissions (2):

Labcorp Genetics (formerly Invitae), Labcorp
Classification: Uncertain significance for Glycogen storage disease, type II. Last evaluated: 2024-06-13. Review status: criteria provided, single submitter. Criteria: Invitae Variant Classification Sherloc (09022015). Collection method: clinical testing. Allele origin: germline.
Comment: This sequence change replaces isoleucine, which is neutral and non-polar, with leucine, which is neutral and non-polar, at codon 823 of the GAA protein (p.Ile823Leu). This variant is present in population databases (rs758038288, gnomAD 0.0009%). This variant has not been reported in the literature in individuals affected with GAA-related conditions. Advanced modeling of protein sequence and biophysical properties (such as structural, functional, and spatial information, amino acid conservation, physicochemical variation, residue mobility, and thermodynamic stability) performed at Invitae indicates that this missense variant is expected to disrupt GAA protein function with a positive predictive value of 95%. In summary, the available evidence is currently insufficient to determine the role of this variant in disease. Therefore, it has been classified as a Variant of Uncertain Significance.

Ambry Genetics
Classification: Uncertain significance for Cardiovascular phenotype. Last evaluated: 2024-05-02. Review status: criteria provided, single submitter. Criteria: Ambry Variant Classification Scheme 2023. Collection method: clinical testing. Allele origin: germline.
Comment: The p.I823L variant (also known as c.2467A>C), located in coding exon 16 of the GAA gene, results from an A to C substitution at nucleotide position 2467. The isoleucine at codon 823 is replaced by leucine, an amino acid with highly similar properties. This amino acid position is conserved. In addition, the in silico prediction for this alteration is inconclusive. Based on the available evidence, the clinical significance of this variant remains unclear.

NM_000152.5(GAA):c.2467A>C (p.Ile823Leu)

Gene: GAA (alpha glucosidase; plus strand). Cytogenetic location: 17q25.3.
Variant type: single nucleotide variant.
Coding change: c.2467A>C on transcript NM_000152.5 (MANE Select); coding-DNA position 2467, A replaced by C.
Protein change: p.Ile823Leu; replaces isoleucine 823 with leucine.
Molecular consequence: missense variant.
Genome position (GRCh38, 1-based): chr17:80,117,735, A>C. VCF-style: chr17-80117735-A-C. GRCh37 (hg19) VCF-style: chr17-78091534-A-C.
Other names: c.2467A>C, p.Ile823Leu (NM_001079803.3, NM_001079804.3, NM_001406741.1 and 1 more transcripts); short protein forms I823L.
Identifiers: ClinVar variation 3280339 (VCV003280339.2).